The following is an entry in ClinVar:

NM_019109.5(ALG1):c.1048G>A (p.Ala350Thr)

Gene: ALG1 (ALG1 chitobiosyldiphosphodolichol beta-mannosyltransferase; plus strand). Cytogenetic location: 16p13.3.
Variant type: single nucleotide variant.
Coding change: c.1048G>A on transcript NM_019109.5 (MANE Select); coding-DNA position 1048, G replaced by A.
Protein change: p.Ala350Thr; replaces alanine 350 with threonine.
Molecular consequence: missense variant.
Genome position (GRCh38, 1-based): chr16:5,081,032, G>A. VCF-style: chr16-5081032-G-A. GRCh37 (hg19) VCF-style: chr16-5131033-G-A.
Other names: c.715G>A, p.Ala239Thr (NM_001330504.2); short protein forms A350T, A239T.
Identifiers: ClinVar variation 1449546 (VCV001449546.6), dbSNP rs138275657, ClinGen allele CA277163978.

ClinVar aggregate classification (germline): Uncertain significance. Review status: criteria provided, multiple submitters, no conflicts (2 of 4 stars). 2 submissions from 2 submitters: Uncertain significance (2). Last evaluated 2024-04-08.

Conditions:
ALG1-congenital disorder of glycosylation. Also called: CONGENITAL DISORDER OF GLYCOSYLATION, TYPE Ik; CDG Ik; ALG1-CDG. Identifiers: Orphanet 79327, MedGen C2931005, MONDO:0012052, OMIM 608540.

Allele frequency attached by ClinVar (database versions not stated): gnomAD exomes 0.00001; TOPMed 0.00003; gnomAD 0.00004 and 0.00005; ESP Exome Variant Server 0.00027.
gnomAD v4.1: 26 of 1,594,324 alleles (0.0016%); highest among the groups gnomAD compares: Non-Finnish European, 0.0022%; no homozygotes.

Submissions (2):

Fulgent Genetics
Classification: Uncertain significance for ALG1-congenital disorder of glycosylation. Last evaluated: 2024-04-08. Review status: criteria provided, single submitter. Criteria: ACMG Guidelines, 2015. Collection method: clinical testing. Allele origin: germline.

Labcorp Genetics (formerly Invitae), Labcorp
Classification: Uncertain significance for ALG1-congenital disorder of glycosylation. Last evaluated: 2021-08-30. Review status: criteria provided, single submitter. Criteria: Invitae Variant Classification Sherloc (09022015). Collection method: clinical testing. Allele origin: germline.
Comment: This sequence change replaces alanine with threonine at codon 350 of the ALG1 protein (p.Ala350Thr). The alanine residue is highly conserved and there is a small physicochemical difference between alanine and threonine. This variant is not present in population databases (ExAC no frequency). This variant has not been reported in the literature in individuals affected with ALG1-related conditions. Advanced modeling of protein sequence and biophysical properties (such as structural, functional, and spatial information, amino acid conservation, physicochemical variation, residue mobility, and thermodynamic stability) performed at Invitae indicates that this missense variant is expected to disrupt ALG1 protein function. In summary, the available evidence is currently insufficient to determine the role of this variant in disease. Therefore, it has been classified as a Variant of Uncertain Significance.